The following is an entry in ClinVar:

ClinVar aggregate classification (germline): Pathogenic (1 of 4 stars; one submission).

Conditions:
Telangiectasia, hereditary hemorrhagic, type 5 (HHT5). Identifiers: Orphanet 774, MedGen C3809710, MONDO:0014217, OMIM 615506.

Submission:

Labcorp Genetics (formerly Invitae), Labcorp
Classification: Pathogenic for Telangiectasia, hereditary hemorrhagic, type 5. Last evaluated: 2025-01-29. Review status: criteria provided, single submitter. Criteria: Invitae Variant Classification Sherloc (09022015). Collection method: clinical testing. Allele origin: germline.
Comment: This sequence change creates a premature translational stop signal (p.Glu60*) in the GDF2 gene. It is expected to result in an absent or disrupted protein product. Loss-of-function variants in GDF2 are known to be pathogenic (PMID: 26801773, 31661308, 31727138). This variant is not present in population databases (gnomAD no frequency). This variant has not been reported in the literature in individuals affected with GDF2-related conditions. For these reasons, this variant has been classified as Pathogenic.

Literature cited by the submitters: PubMed 26801773; PubMed 31661308; PubMed 31727138.

NM_016204.4(GDF2):c.178G>T (p.Glu60Ter)

Gene: GDF2 (growth differentiation factor 2; plus strand). Cytogenetic location: 10q11.22.
Variant type: single nucleotide variant.
Coding change: c.178G>T on transcript NM_016204.4 (MANE Select); coding-DNA position 178, G replaced by T.
Protein change: p.Glu60Ter; replaces glutamic acid 60 with a stop codon.
Molecular consequence: nonsense.
Genome position (GRCh38, 1-based): chr10:47,322,846, G>T. VCF-style: chr10-47322846-G-T. GRCh37 (hg19) VCF-style: chr10-48416516-C-A.
Other names: short protein forms E60*.
Identifiers: ClinVar variation 3729767 (VCV003729767.2).
Genomic context (GRCh38, chr10:47,322,846, plus strand): 5'-CCACTGGGGGTGCCTGGAGGTGGGCTGCCTGAGCACACCTTCAACCTGAAGATGTTTCTG[G>T]AGAACGTGAAGGTGGATTTCCTGCGCAGCCTTAACCTGAGTGGGGTCCCTTCGCAGGACA-3'